The following is an entry in ClinVar:

ClinVar aggregate classification (germline): Uncertain significance (1 of 4 stars; one submission).

Conditions:
Imerslund-Grasbeck syndrome. Also called: PERNICIOUS ANEMIA, JUVENILE, DUE TO SELECTIVE INTESTINAL MALABSORPTION OF VITAMIN B12, WITH PROTEINURIA; Imerslund-Gräsbeck syndrome; ENTEROCYTE COBALAMIN MALABSORPTION; ENTEROCYTE INTRINSIC FACTOR RECEPTOR, DEFECT OF; Megaloblastic anemia due to inborn errors of metabolism. Identifiers: Orphanet 35858, MedGen C4551825, MONDO:0009853.

Allele frequency attached by ClinVar (database versions not stated): gnomAD exomes below 0.00001.
gnomAD v4.1: 1 of 1,613,946 alleles (0.000062%); highest among the groups gnomAD compares: African/African-American, 0.0013%; no homozygotes.

Submission:

Labcorp Genetics (formerly Invitae), Labcorp
Classification: Uncertain significance for Imerslund-Grasbeck syndrome. Last evaluated: 2022-12-31. Review status: criteria provided, single submitter. Criteria: Invitae Variant Classification Sherloc (09022015). Collection method: clinical testing. Allele origin: germline.
Comment: This variant has not been reported in the literature in individuals affected with CUBN-related conditions. In summary, the available evidence is currently insufficient to determine the role of this variant in disease. Therefore, it has been classified as a Variant of Uncertain Significance. Algorithms developed to predict the effect of missense changes on protein structure and function are either unavailable or do not agree on the potential impact of this missense change (SIFT: "Deleterious"; PolyPhen-2: "Possibly Damaging"; Align-GVGD: "Class C0"). This variant is present in population databases (no rsID available, gnomAD 0.007%). This sequence change replaces serine, which is neutral and polar, with cysteine, which is neutral and slightly polar, at codon 3509 of the CUBN protein (p.Ser3509Cys).

NM_001081.4(CUBN):c.10526C>G (p.Ser3509Cys)

Gene: CUBN (cubilin; minus strand). Cytogenetic location: 10p13.
Variant type: single nucleotide variant.
Coding change: c.10526C>G on transcript NM_001081.4 (MANE Select); coding-DNA position 10526, C replaced by G.
Protein change: p.Ser3509Cys; replaces serine 3509 with cysteine.
Molecular consequence: missense variant.
Genome position (GRCh38, 1-based): chr10:16,831,254, G>C on the plus strand (C>G on the coding strand, the complement: CUBN is on the minus strand). VCF-style: chr10-16831254-G-C. GRCh37 (hg19) VCF-style: chr10-16873253-G-C.
Other names: short protein forms S3509C.
Identifiers: ClinVar variation 2872925 (VCV002872925.3), dbSNP rs1422497587, ClinGen allele CA376120420.